The following is an entry in ClinVar:

NM_001267550.2(TTN):c.2494G>T (p.Ala832Ser)

Gene: TTN (titin; minus strand). Cytogenetic location: 2q31.2.
Variant type: single nucleotide variant.
Coding change: c.2494G>T on transcript NM_001267550.2 (MANE Select); coding-DNA position 2494, G replaced by T.
Protein change: p.Ala832Ser; replaces alanine 832 with serine.
Molecular consequence: missense variant.
Genome position (GRCh38, 1-based): chr2:178,784,351, C>A on the plus strand (G>T on the coding strand, the complement: TTN is on the minus strand). VCF-style: chr2-178784351-C-A. GRCh37 (hg19) VCF-style: chr2-179649078-C-A.
Other names: c.2494G>T, p.Ala832Ser (NM_001256850.1, NM_133378.4, NM_133379.5); c.2356G>T, p.Ala786Ser (NM_003319.4, NM_133432.3, NM_133437.4); c.2494G>T (LRG_391t1); short protein forms A832S, A786S.
Identifiers: ClinVar variation 223341 (VCV000223341.3), dbSNP rs376133574, ClinGen allele CA090852.
Genomic context (GRCh38, chr2:178,784,351, plus strand): 5'-CAGAAGATGTGGCTGACAACTCTTTTTGTAATGTGGCAATAGCACTACCGGCTATTGATG[C>A]CTACATGGAAACAGAGTCAGAAAATAAAGTCATTTAACCATCCTCCGATGGCTAGCCCTC-3'
Protein context (NP_001254479.2, residues 822-842): SVPKTEHGYE[Ala832Ser]SIAGSAIATL

ClinVar aggregate classification (germline): Uncertain significance. Review status: criteria provided, multiple submitters, no conflicts (2 of 4 stars). 2 submissions from 2 submitters: Uncertain significance (2). Last evaluated 2020-01-14.

Conditions:
Primary dilated cardiomyopathy (DCM). Also called: Dilated Cardiomyopathy. Identifiers: Orphanet 217604, MedGen C0007193, MeSH D002311, MONDO:0005021, HP:0001644. Inheritance: Various modes of inheritance.
Cardiovascular phenotype. Identifiers: MedGen CN230736.

Allele frequency attached by ClinVar (database versions not stated): TOPMed 0.00010; ESP Exome Variant Server 0.00008; ExAC 0.00001; gnomAD exomes 0.00002; gnomAD 0.00004.
gnomAD v4.1: 9 of 1,613,850 alleles (0.00056%); highest among the groups gnomAD compares: African/African-American, 0.008%; no homozygotes.

Submissions (2):

Ambry Genetics
Classification: Uncertain significance for Cardiovascular phenotype. Last evaluated: 2020-01-14. Review status: criteria provided, single submitter. Criteria: Ambry Variant Classification Scheme 2023. Collection method: clinical testing. Allele origin: germline.
Comment: The p.A786S variant (also known as c.2356G>T) is located in coding exon 14 of the TTN gene. The alanine at codon 786 is replaced by serine, an amino acid with similar properties. This change occurs in the first base pair of coding exon 14. This alteration (also reported as NM_001267550.2: c.2494G>T) was detected in the Jackson Heart Study cohorts; however, clinical details were limited (Roberts AM et al. Sci Transl Med, 2015 Jan;7:270ra6). This amino acid position is not well conserved in available vertebrate species. In addition, this alteration is predicted to be tolerated by in silico analysis. Since supporting evidence is limited at this time, the clinical significance of this alteration remains unclear.

Cardiovascular Biomedical Research Unit, Royal Brompton & Harefield NHS Foundation Trust
Classification: Uncertain significance for Primary dilated cardiomyopathy. Last evaluated: 2014-10-08. Review status: criteria provided, single submitter. Criteria: Roberts et al. 2015. Collection method: research. Allele origin: germline. Inheritance: Autosomal dominant inheritance. Affected: no. Observed: 1 variant allele. Study: JHS cohort.
Comment: In the seven cohorts assessed, TTNtv were found in 14% of ambulant DCM, 22% end-stage or familial DCM, and 2% controls. Heterozygous nonsense, frameshift and canonical splice-disrupting variants found in constitutive and other highly utilised exons are highly likely to be pathogenic when identified in individuals with phenotypically confirmed DCM. TTNtv found incidentally in healthy individuals (excluding familial assessment of DCM relatives) are thought to have low penetrance, particularly when identified in exons that are not constitutively expressed in the heart.

Literature cited by the submitters: PubMed 25589632 (cited by Ambry Genetics).